The following is an entry in ClinVar:

NM_005228.5(EGFR):c.1681G>C (p.Glu561Gln)

Gene: EGFR (epidermal growth factor receptor; plus strand). Cytogenetic location: 7p11.2.
Variant type: single nucleotide variant.
Coding change: c.1681G>C on transcript NM_005228.5 (MANE Select); coding-DNA position 1681, G replaced by C.
Protein change: p.Glu561Gln; replaces glutamic acid 561 with glutamine.
Molecular consequence: missense variant.
Genome position (GRCh38, 1-based): chr7:55,163,782, G>C. VCF-style: chr7-55163782-G-C. GRCh37 (hg19) VCF-style: chr7-55231475-G-C.
Other names: c.1546G>C, p.Glu516Gln (NM_001346897.2, NM_001346899.2); c.1681G>C, p.Glu561Gln (NM_001346898.2, NM_201282.2, NM_201284.2); c.1522G>C, p.Glu508Gln (NM_001346900.2); c.880G>C, p.Glu294Gln (NM_001346941.2); c.1681G>C (NM_005228.3); short protein forms E508Q, E561Q, E294Q, E516Q.
Identifiers: ClinVar variation 1444662 (VCV001444662.7), dbSNP rs769918274, ClinGen allele CA4265658.

ClinVar aggregate classification (germline): Uncertain significance. Review status: criteria provided, multiple submitters, no conflicts (2 of 4 stars). 2 submissions from 2 submitters: Uncertain significance (2). Last evaluated 2026-05-05.

Conditions:
EGFR-related lung cancer (EGFR). Identifiers: MedGen CN130014.
Hereditary cancer-predisposing syndrome. Also called: Tumor predisposition; Neoplastic Syndromes, Hereditary; Hereditary Cancer Syndrome; Hereditary neoplastic syndrome. Identifiers: Orphanet 140162, MedGen C0027672, MeSH D009386, MONDO:0015356.

Allele frequency attached by ClinVar (database versions not stated): TOPMed 0.00001; gnomAD 0.00001; gnomAD exomes below 0.00001; ExAC 0.00001.

Submissions (2):

Ambry Genetics
Classification: Uncertain significance for Hereditary cancer-predisposing syndrome. Last evaluated: 2026-05-05. Review status: criteria provided, single submitter. Criteria: Ambry Variant Classification Scheme 2023. Collection method: clinical testing. Allele origin: germline.
Comment: The p.E561Q variant (also known as c.1681G>C), located in coding exon 14 of the EGFR gene, results from a G to C substitution at nucleotide position 1681. The glutamic acid at codon 561 is replaced by glutamine, an amino acid with highly similar properties. This amino acid position is highly conserved in available vertebrate species. In addition, the in silico prediction for this alteration is inconclusive. Based on the available evidence, the clinical significance of this variant remains unclear.

Labcorp Genetics (formerly Invitae), Labcorp
Classification: Uncertain significance for EGFR-related lung cancer. Last evaluated: 2024-10-30. Review status: criteria provided, single submitter. Criteria: Invitae Variant Classification Sherloc (09022015). Collection method: clinical testing. Allele origin: germline.
Comment: This sequence change replaces glutamic acid, which is acidic and polar, with glutamine, which is neutral and polar, at codon 561 of the EGFR protein (p.Glu561Gln). This variant is present in population databases (rs769918274, gnomAD 0.007%). This variant has not been reported in the literature in individuals affected with EGFR-related conditions. ClinVar contains an entry for this variant (Variation ID: 1444662). Invitae Evidence Modeling of protein sequence and biophysical properties (such as structural, functional, and spatial information, amino acid conservation, physicochemical variation, residue mobility, and thermodynamic stability) indicates that this missense variant is not expected to disrupt EGFR protein function with a negative predictive value of 80%. In summary, the available evidence is currently insufficient to determine the role of this variant in disease. Therefore, it has been classified as a Variant of Uncertain Significance.